The following is an entry in ClinVar:

ClinVar aggregate classification (germline): Uncertain significance (1 of 4 stars; one submission).

Conditions:
PLXNA3-related disorder. Also called: PLXNA3-related condition.

Submission:

PreventionGenetics, part of Exact Sciences
Classification: Uncertain significance for PLXNA3-related condition. Last evaluated: 2025-05-13. Review status: criteria provided, single submitter. Criteria: ACMG Guidelines, 2015. Collection method: clinical testing. Allele origin: germline.
Comment: The PLXNA3 c.3226G>T variant is predicted to result in the amino acid substitution p.Ala1076Ser. To our knowledge, this variant has not been reported in the literature or in a large population database (gnomAD), indicating this variant is rare. At this time, the clinical significance of this variant is uncertain due to the absence of conclusive functional and genetic evidence.

NM_017514.5(PLXNA3):c.3226G>T (p.Ala1076Ser)

Gene: PLXNA3 (plexin A3; plus strand). Cytogenetic location: Xq28.
Variant type: single nucleotide variant.
Coding change: c.3226G>T on transcript NM_017514.5 (MANE Select); coding-DNA position 3226, G replaced by T.
Protein change: p.Ala1076Ser; replaces alanine 1076 with serine.
Molecular consequence: missense variant.
Genome position (GRCh38, 1-based): chrX:154,467,256, G>T. VCF-style: chrX-154467256-G-T. GRCh37 (hg19) VCF-style: chrX-153695599-G-T.
Other names: short protein forms A1076S.
Identifiers: ClinVar variation 5000152 (VCV005000152.1).
Genomic context (GRCh38, chrX:154,467,256, plus strand): 5'-CTTCACGTGCCTGGCTGTCCACCTTTGTCCCCACAGACATGCCAAGTGATCAACGACACT[G>T]CCATGCTGTGTAAGGCCCCCGGCATCTTTCTTGGGCGGCCCCAGCCTCGGGCGCAAGGCG-3'
Protein context (NP_059984.3, residues 1066-1086): TNTCQVINDT[Ala1076Ser]MLCKAPGIFL